The following is an entry in ClinVar:

NM_000388.4(CASR):c.995A>G (p.Glu332Gly)

Gene: CASR (calcium sensing receptor; plus strand). Cytogenetic location: 3q21.1.
Variant type: single nucleotide variant.
Coding change: c.995A>G on transcript NM_000388.4 (MANE Select); coding-DNA position 995, A replaced by G.
Protein change: p.Glu332Gly; replaces glutamic acid 332 with glycine.
Molecular consequence: missense variant.
Genome position (GRCh38, 1-based): chr3:122,262,030, A>G. VCF-style: chr3-122262030-A-G. GRCh37 (hg19) VCF-style: chr3-121980877-A-G.
Other names: c.995A>G, p.Glu332Gly (NM_001178065.2); short protein forms E332G.
Identifiers: ClinVar variation 2134892 (VCV002134892.4), dbSNP rs2473227587, ClinGen allele CA354152006.

ClinVar aggregate classification (germline): Uncertain significance (1 of 4 stars; one submission).

Conditions:
Autosomal dominant hypocalcemia 1 (HYPOC1). Also called: HYPOCALCEMIA, FAMILIAL. Identifiers: MedGen C3715128, MONDO:0011013, OMIM 601198.
Familial hypocalciuric hypercalcemia (FHH). Also called: Familial benign hypercalcemia. Identifiers: Orphanet 405, MedGen C1809471, MONDO:0018458.

Submission:

Labcorp Genetics (formerly Invitae), Labcorp
Classification: Uncertain significance for Familial hypocalciuric hypercalcemia; Autosomal dominant hypocalcemia 1. Last evaluated: 2022-04-12. Review status: criteria provided, single submitter. Criteria: Invitae Variant Classification Sherloc (09022015). Collection method: clinical testing. Allele origin: germline.
Comment: In summary, the available evidence is currently insufficient to determine the role of this variant in disease. Therefore, it has been classified as a Variant of Uncertain Significance. Algorithms developed to predict the effect of missense changes on protein structure and function are either unavailable or do not agree on the potential impact of this missense change (SIFT: "Deleterious"; PolyPhen-2: "Benign"; Align-GVGD: "Class C65"). This variant has not been reported in the literature in individuals affected with CASR-related conditions. This variant is not present in population databases (gnomAD no frequency). This sequence change replaces glutamic acid, which is acidic and polar, with glycine, which is neutral and non-polar, at codon 332 of the CASR protein (p.Glu332Gly).